The following is an entry in ClinVar:

NM_003477.3(PDHX):c.828T>G (p.Thr276=)

Gene: PDHX (pyruvate dehydrogenase complex component X; plus strand). Cytogenetic location: 11p13.
Variant type: single nucleotide variant.
Coding change: c.828T>G on transcript NM_003477.3 (MANE Select); coding-DNA position 828, T replaced by G.
Protein change: p.Thr276=; no amino-acid change (threonine 276 retained).
Molecular consequence: synonymous variant. On other transcripts: intron variant (1).
Genome position (GRCh38, 1-based): chr11:34,970,150, T>G. VCF-style: chr11-34970150-T-G. GRCh37 (hg19) VCF-style: chr11-34991697-T-G.
Other names: c.648T>G, p.Thr216= (NM_001135024.2); c.343-14420T>G (NM_001166158.2).
Identifiers: ClinVar variation 518057 (VCV000518057.1), dbSNP rs1554989176, ClinGen allele CA473615786.

ClinVar aggregate classification (germline): Likely benign (1 of 4 stars; one submission).

Submission:

GeneDx
Classification: Likely benign. Last evaluated: 2017-06-22. Review status: criteria provided, single submitter. Criteria: GeneDx Variant Classification (06012015). Collection method: clinical testing. Allele origin: germline. Affected: yes.
Comment: This variant is considered likely benign or benign based on one or more of the following criteria: it is a conservative change, it occurs at a poorly conserved position in the protein, it is predicted to be benign by multiple in silico algorithms, and/or has population frequency not consistent with disease.